The following is an entry in ClinVar:

ClinVar aggregate classification (germline): Likely benign (1 of 4 stars; one submission).

Conditions:
Peroxisome biogenesis disorder 3A (Zellweger). Also called: PEROXISOMAL BIOGENESIS DISORDER 3A (ZELLWEGER); Peroxisome biogenesis disorder 3A. Identifiers: Orphanet 912, MedGen C3553929, MONDO:0013927, OMIM 614859.

Allele frequency attached by ClinVar (database versions not stated): gnomAD exomes 0.00010; 1000 Genomes Project 0.00359; gnomAD 0.00383 and 0.00415; TOPMed 0.00459.

Submission:

Illumina Laboratory Services, Illumina
Classification: Likely benign for Peroxisome biogenesis disorder 3A (Zellweger). Last evaluated: 2018-01-13. Review status: criteria provided, single submitter. Criteria: ICSL Variant Classification Criteria 13 December 2019. Collection method: clinical testing. Allele origin: germline.
Comment: This variant was observed in the ICSL laboratory as part of a predisposition screen in an ostensibly healthy population. It had not been previously curated by ICSL or reported in the Human Gene Mutation Database (HGMD: prior to June 1st, 2018), and was therefore a candidate for classification through an automated scoring system. Utilizing variant allele frequency, disease prevalence and penetrance estimates, and inheritance mode, an automated score was calculated to assess if this variant is too frequent to cause the disease. Based on the score and internal cut-off values, a variant classified as likely benign is not then subjected to further curation. The score for this variant resulted in a classification of likely benign for this disease.

NM_000286.3(PEX12):c.*509T>G

Gene: PEX12 (peroxisomal biogenesis factor 12; minus strand). Cytogenetic location: 17q12.
Variant type: single nucleotide variant.
Coding change: c.*509T>G on transcript NM_000286.3 (MANE Select); 509 bases downstream of the stop codon, T replaced by G.
Molecular consequence: 3 prime UTR variant.
Genome position (GRCh38, 1-based): chr17:35,575,273, A>C on the plus strand (T>G on the coding strand, the complement: PEX12 is on the minus strand). VCF-style: chr17-35575273-A-C. GRCh37 (hg19) VCF-style: chr17-33902292-A-C.
Identifiers: ClinVar variation 889569 (VCV000889569.4), dbSNP rs192370696, ClinGen allele CA290067770.